The following is an entry in ClinVar:

NM_003055.3(SLC18A3):c.788C>T (p.Ala263Val)

Genes: CHAT (choline O-acetyltransferase; plus strand), SLC18A3 (solute carrier family 18 member A3; plus strand). Cytogenetic location: 10q11.23.
Variant type: single nucleotide variant.
Coding change: c.788C>T on transcript NM_003055.3 (MANE Select); coding-DNA position 788, C replaced by T.
Protein change: p.Ala263Val; replaces alanine 263 with valine.
Molecular consequence: missense variant. On other transcripts: intron variant (1).
Genome position (GRCh38, 1-based): chr10:49,611,528, C>T. VCF-style: chr10-49611528-C-T. GRCh37 (hg19) VCF-style: chr10-50819574-C-T.
Other names: c.-69+2329C>T (NM_020984.4); short protein forms A263V.
Identifiers: ClinVar variation 1472276 (VCV001472276.8), dbSNP rs1039568668, ClinGen allele CA206621214.

ClinVar aggregate classification (germline): Uncertain significance. Review status: criteria provided, multiple submitters, no conflicts (2 of 4 stars). 2 submissions from 2 submitters: Uncertain significance (2). Last evaluated 2022-03-24.

Conditions:
Inborn genetic diseases. Identifiers: MedGen C0950123, MeSH D030342.

Allele frequency attached by ClinVar (database versions not stated): gnomAD exomes below 0.00001.
gnomAD v4.1: 1 of 1,602,476 alleles (0.000062%); highest among the groups gnomAD compares: African/African-American, 0.0013%; no homozygotes.

Submissions (2):

Labcorp Genetics (formerly Invitae), Labcorp
Classification: Uncertain significance. Last evaluated: 2022-03-24. Review status: criteria provided, single submitter. Criteria: Invitae Variant Classification Sherloc (09022015). Collection method: clinical testing. Allele origin: germline.
Comment: In summary, the available evidence is currently insufficient to determine the role of this variant in disease. Therefore, it has been classified as a Variant of Uncertain Significance. Algorithms developed to predict the effect of missense changes on protein structure and function (SIFT, PolyPhen-2, Align-GVGD) all suggest that this variant is likely to be tolerated. This variant has not been reported in the literature in individuals affected with SLC18A3-related conditions. This variant is not present in population databases (gnomAD no frequency). This sequence change replaces alanine, which is neutral and non-polar, with valine, which is neutral and non-polar, at codon 263 of the SLC18A3 protein (p.Ala263Val).

Ambry Genetics
Classification: Uncertain significance for Inborn genetic diseases. Last evaluated: 2021-07-09. Review status: criteria provided, single submitter. Criteria: Ambry Variant Classification Scheme 2023. Collection method: clinical testing. Allele origin: germline.